The following is an entry in ClinVar:

NM_001429.4(EP300):c.22C>T (p.Pro8Ser)

Gene: EP300 (E1A binding protein p300; plus strand). Cytogenetic location: 22q13.2.
Variant type: single nucleotide variant.
Coding change: c.22C>T on transcript NM_001429.4 (MANE Select); coding-DNA position 22, C replaced by T.
Protein change: p.Pro8Ser; replaces proline 8 with serine.
Molecular consequence: missense variant.
Genome position (GRCh38, 1-based): chr22:41,093,026, C>T. VCF-style: chr22-41093026-C-T. GRCh37 (hg19) VCF-style: chr22-41489030-C-T.
Other names: c.22C>T, p.Pro8Ser (NM_001362843.2); short protein forms P8S.
Identifiers: ClinVar variation 3352667 (VCV003352667.1).
Genomic context (GRCh38, chr22:41,093,026, plus strand): 5'-TTCTGGTTTTCCTCGCTTGTATCTCCGAAAGAATTAAAAATGGCCGAGAATGTGGTGGAA[C>T]CGGGGCCGCCTTCAGCCAAGCGGCCTAAACTCTCATCTCCGGCCCTCTCGGCGTCCGCCA-3'
Protein context (NP_001420.2, residues 1-18): MAENVVE[Pro8Ser]GPPSAKRPKL

ClinVar aggregate classification (germline): Uncertain significance (0 of 4 stars; one submission).

Conditions:
EP300-related disorder. Also called: EP300-related disorders; EP300-related condition.

Submission:

PreventionGenetics, part of Exact Sciences
Classification: Uncertain significance for EP300-related condition. Last evaluated: 2024-07-29. Review status: no assertion criteria provided. Collection method: clinical testing. Allele origin: germline.
Comment: The EP300 c.22C>T variant is predicted to result in the amino acid substitution p.Pro8Ser. To our knowledge, this variant has not been reported in the literature or in a large population database, indicating this variant is rare. At this time, the clinical significance of this variant is uncertain due to the absence of conclusive functional and genetic evidence.